The following is an entry in ClinVar:

ClinVar aggregate classification (germline): Uncertain significance. Review status: criteria provided, multiple submitters, no conflicts (2 of 4 stars). 2 submissions from 2 submitters: Uncertain significance (2). Last evaluated 2024-04-01.

Conditions:
Autosomal recessive nonsyndromic hearing loss 3. Also called: NEUROSENSORY NONSYNDROMIC RECESSIVE DEAFNESS 3. Identifiers: Orphanet 90636, MedGen C1838263, MONDO:0010860, OMIM 600316.

Allele frequency attached by ClinVar (database versions not stated): gnomAD 0.00002 and 0.00006; gnomAD exomes 0.00005 and 0.00013; ExAC 0.00014; 1000 Genomes Project 0.00020.
gnomAD v4.1: 78 of 1,475,858 alleles (0.0053%); highest among the groups gnomAD compares: South Asian, 0.084%; no homozygotes.

Submissions (2):

Labcorp Genetics (formerly Invitae), Labcorp
Classification: Uncertain significance. Last evaluated: 2024-04-01. Review status: criteria provided, single submitter. Criteria: Invitae Variant Classification Sherloc (09022015). Collection method: clinical testing. Allele origin: germline.
Comment: This sequence change falls in intron 8 of the MYO15A gene. It does not directly change the encoded amino acid sequence of the MYO15A protein. It affects a nucleotide within the consensus splice site. This variant is present in population databases (rs564616200, gnomAD 0.1%). This variant has not been reported in the literature in individuals affected with MYO15A-related conditions. ClinVar contains an entry for this variant (Variation ID: 1462859). Variants that disrupt the consensus splice site are a relatively common cause of aberrant splicing (PMID: 17576681, 9536098). Algorithms developed to predict the effect of sequence changes on RNA splicing suggest that this variant may disrupt the consensus splice site. In summary, the available evidence is currently insufficient to determine the role of this variant in disease. Therefore, it has been classified as a Variant of Uncertain Significance.

Revvity Omics, Revvity
Classification: Uncertain significance for Autosomal recessive nonsyndromic hearing loss 3. Last evaluated: 2022-03-30. Review status: criteria provided, single submitter. Criteria: ACMG Guidelines, 2015. Collection method: clinical testing. Allele origin: germline.

Literature cited by the submitters: PubMed 17576681 (cited by Labcorp Genetics (formerly Invitae), Labcorp); PubMed 9536098 (cited by Labcorp Genetics (formerly Invitae), Labcorp).

NM_016239.4(MYO15A):c.4038+3A>G

Gene: MYO15A (myosin XVA; plus strand). Cytogenetic location: 17p11.2.
Variant type: single nucleotide variant.
Coding change: c.4038+3A>G on transcript NM_016239.4 (MANE Select); 3 bases into the intron after coding-DNA position 4038, A replaced by G.
Molecular consequence: intron variant.
Genome position (GRCh38, 1-based): chr17:18,130,813, A>G. VCF-style: chr17-18130813-A-G. GRCh37 (hg19) VCF-style: chr17-18034127-A-G.
Identifiers: ClinVar variation 1462859 (VCV001462859.8), dbSNP rs564616200, ClinGen allele CA8423718.